The following is an entry in ClinVar:

ClinVar aggregate classification (germline): Uncertain significance (1 of 4 stars; one submission).

Conditions:
Mitochondrial DNA depletion syndrome 13. Also called: FBXL4-Related Encephalomyopathic Mitochondrial DNA Depletion Syndrome; Mitochondrial DNA depletion syndrome 13 (encephalomyopathic type). Identifiers: Orphanet 369897, MedGen C3809592, MONDO:0014198, OMIM 615471.

Allele frequency attached by ClinVar (database versions not stated): TOPMed below 0.00001; gnomAD 0.00001; gnomAD exomes 0.00001 and 0.00002; ExAC 0.00002.
gnomAD v4.1: 11 of 1,613,972 alleles (0.00068%); highest among the groups gnomAD compares: South Asian, 0.0088%; no homozygotes.

Submission:

Wong Mito Lab, Molecular and Human Genetics, Baylor College of Medicine
Classification: Uncertain significance for Mitochondrial DNA depletion syndrome 13. Last evaluated: 2017-08-10. Review status: criteria provided, single submitter. Criteria: ACMG Guidelines, 2015. Collection method: reference population. Allele origin: germline.
Comment: The NM_012160.4:c.722T>C (NP_036292.2:p.Ile241Thr) [GRCH38: NC_000006.12:g.98917510A>G] variant in FBXL4 gene is interpretated to be a Uncertain Significance - Conflicting Evidence based on ACMG guidelines (PMID: 25741868). This variant meets one or more of the following evidence codes reported in the ACMG-guideline. PM2:This variant is absent in key population databases. BP4:Computational evidence/predictors indicate no impact on the FBXL4 structure, function, or protein-protein interaction. Based on this evidence code ClinGen Pathogenicity Calculator (PMID:28081714) suggested that the variant is Uncertain Significance - Conflicting Evidence.

NM_001278716.2(FBXL4):c.722T>C (p.Ile241Thr)

Gene: FBXL4 (F-box and leucine rich repeat protein 4; minus strand). Cytogenetic location: 6q16.2.
Variant type: single nucleotide variant.
Coding change: c.722T>C on transcript NM_001278716.2 (MANE Select); coding-DNA position 722, T replaced by C.
Protein change: p.Ile241Thr; replaces isoleucine 241 with threonine.
Molecular consequence: missense variant.
Genome position (GRCh38, 1-based): chr6:98,917,510, A>G on the plus strand (T>C on the coding strand, the complement: FBXL4 is on the minus strand). VCF-style: chr6-98917510-A-G. GRCh37 (hg19) VCF-style: chr6-99365386-A-G.
Other names: c.722T>C, p.Ile241Thr (NM_012160.5); short protein forms I241T.
Identifiers: ClinVar variation 437619 (VCV000437619.1), dbSNP rs768403473, ClinGen allele CA3933633.